The following is an entry in ClinVar:

NM_017946.4(FKBP14):c.206A>G (p.His69Arg)

Genes: FKBP14 (FKBP prolyl isomerase 14; minus strand), FKBP14-AS1 (FKBP14 antisense RNA 1; plus strand). Cytogenetic location: 7p14.3.
Variant type: single nucleotide variant.
Coding change: c.206A>G on transcript NM_017946.4 (MANE Select); coding-DNA position 206, A replaced by G.
Protein change: p.His69Arg; replaces histidine 69 with arginine.
Molecular consequence: missense variant. On other transcripts: non-coding transcript variant (1).
Genome position (GRCh38, 1-based): chr7:30,022,808, T>C on the plus strand (A>G on the coding strand, the complement: FKBP14 is on the minus strand). VCF-style: chr7-30022808-T-C. GRCh37 (hg19) VCF-style: chr7-30062424-T-C.
Other names: c.206A>G (NM_017946.2); short protein forms H69R.
Identifiers: ClinVar variation 853408 (VCV000853408.11), dbSNP rs564539430, ClinGen allele CA156003198.

ClinVar aggregate classification (germline): Uncertain significance. Review status: criteria provided, multiple submitters, no conflicts (2 of 4 stars). 4 submissions from 4 submitters: Uncertain significance (4). Last evaluated 2026-04-07.

Conditions:
Cardiovascular phenotype. Identifiers: MedGen CN230736.
Ehlers-Danlos syndrome, kyphoscoliotic type, 2. Also called: Ehlers-Danlos syndrome with progressive kyphoscoliosis, myopathy, and hearing loss; FKBP14-Kyphoscoliotic Ehlers-Danlos Syndrome; Ehlers-Danlos syndrome, kyphoscoliotic and deafness type. Identifiers: Orphanet 300179, MedGen C3281160, MONDO:0013800, OMIM 614557.

Allele frequency attached by ClinVar (database versions not stated): gnomAD exomes below 0.00001 and 0.00002; gnomAD 0.00001; 1000 Genomes Project 0.00020; 1000 Genomes Project 30x 0.00031.

Submissions (4):

Women's Health and Genetics/Laboratory Corporation of America, LabCorp
Classification: Uncertain significance. Last evaluated: 2026-04-07. Review status: criteria provided, single submitter. Criteria: LabCorp Variant Classification Summary - May 2015. Collection method: clinical testing. Allele origin: germline.
Comment: Variant summary: FKBP14 c.206A>G (p.His69Arg) results in a non-conservative amino acid change in the encoded protein sequence. Algorithms developed to predict the effect of missense changes on protein structure and function are either unavailable or do not agree on the potential impact of this missense change. The variant allele was found at a frequency of 4e-06 in 247998 control chromosomes. The available data on variant occurrences in the general population are insufficient to allow any conclusion about variant significance. To our knowledge, no occurrence of c.206A>G in individuals affected with FKBP14-related conditions and no experimental evidence demonstrating its impact on protein function have been reported. ClinVar contains an entry for this variant (Variation ID: 853408). Based on the evidence outlined above, the variant was classified as uncertain significance.

Ambry Genetics
Classification: Uncertain significance for Cardiovascular phenotype. Last evaluated: 2025-09-07. Review status: criteria provided, single submitter. Criteria: Ambry Variant Classification Scheme 2023. Collection method: clinical testing. Allele origin: germline.
Comment: The p.H69R variant (also known as c.206A>G), located in coding exon 2 of the FKBP14 gene, results from an A to G substitution at nucleotide position 206. The histidine at codon 69 is replaced by arginine, an amino acid with highly similar properties. This amino acid position is conserved. In addition, this alteration is predicted to be tolerated by in silico analysis. Since supporting evidence is limited at this time, the clinical significance of this alteration remains unclear.

GeneDx
Classification: Uncertain significance. Last evaluated: 2024-05-09. Review status: criteria provided, single submitter. Criteria: GeneDx Variant Classification Process June 2021. Collection method: clinical testing. Allele origin: germline. Affected: yes.
Comment: Not observed at significant frequency in large population cohorts (gnomAD); In silico analysis indicates that this missense variant does not alter protein structure/function; Has not been previously published as pathogenic or benign to our knowledge

Labcorp Genetics (formerly Invitae), Labcorp
Classification: Uncertain significance for Ehlers-Danlos syndrome, kyphoscoliotic type, 2. Last evaluated: 2021-08-31. Review status: criteria provided, single submitter. Criteria: Invitae Variant Classification Sherloc (09022015). Collection method: clinical testing. Allele origin: germline.
Comment: This sequence change replaces histidine with arginine at codon 69 of the FKBP14 protein (p.His69Arg). The histidine residue is moderately conserved and there is a small physicochemical difference between histidine and arginine. This variant is not present in population databases (ExAC no frequency). This variant has not been reported in the literature in individuals affected with FKBP14-related conditions. Algorithms developed to predict the effect of missense changes on protein structure and function (SIFT, PolyPhen-2, Align-GVGD) all suggest that this variant is likely to be tolerated. Algorithms developed to predict the effect of sequence changes on RNA splicing suggest that this variant may create or strengthen a splice site. In summary, the available evidence is currently insufficient to determine the role of this variant in disease. Therefore, it has been classified as a Variant of Uncertain Significance.